The following is an entry in ClinVar:

NM_177438.3(DICER1):c.1377-1G>T

Gene: DICER1 (dicer 1, ribonuclease III; minus strand). Cytogenetic location: 14q32.13.
Variant type: single nucleotide variant.
Coding change: c.1377-1G>T on transcript NM_177438.3 (MANE Select); the canonical splice acceptor site of the intron before coding-DNA position 1377, G replaced by T.
Molecular consequence: splice acceptor variant.
Genome position (GRCh38, 1-based): chr14:95,117,755, C>A on the plus strand (G>T on the coding strand, the complement: DICER1 is on the minus strand). VCF-style: chr14-95117755-C-A. GRCh37 (hg19) VCF-style: chr14-95584092-C-A.
Other names: c.1377-1G>T (NM_001291628.2, NM_030621.4, NM_001395677.1 and 13 more transcripts); c.972-1G>T (NM_001395690.1, NM_001395687.1, NM_001395689.1 and 3 more transcripts); c.1095-1G>T (NM_001395686.1); c.810-1G>T (NM_001395691.1); c.-192-1G>T (NM_001395697.1).
Identifiers: ClinVar variation 2674836 (VCV002674836.2), dbSNP rs2543064634, ClinGen allele CA390885706.

ClinVar aggregate classification (germline): Likely pathogenic. Review status: criteria provided, multiple submitters, no conflicts (2 of 4 stars). 2 submissions from 2 submitters: Likely pathogenic (2). Last evaluated 2023-09-29.

Conditions:
Hereditary cancer-predisposing syndrome. Also called: Tumor predisposition; Hereditary neoplastic syndrome; Neoplastic Syndromes, Hereditary; Hereditary Cancer Syndrome. Identifiers: Orphanet 140162, MedGen C0027672, MeSH D009386, MONDO:0015356.
Global developmental delay - lung cysts - overgrowth - Wilms tumor syndrome. Also called: GLOBAL DEVELOPMENTAL DELAY, LUNG CYSTS, OVERGROWTH, AND WILMS TUMOR; GLOW Syndrome. Identifiers: Orphanet 404476, MedGen C4748924, MONDO:0018445, OMIM 618272.

Submissions (2):

Ambry Genetics
Classification: Likely pathogenic for Hereditary cancer-predisposing syndrome. Last evaluated: 2023-09-29. Review status: criteria provided, single submitter. Criteria: Ambry Variant Classification Scheme 2023. Collection method: clinical testing. Allele origin: germline.
Comment: The c.1377-1G>T intronic variant results from a G to T substitution one nucleotide upstream from coding exon 8 of the DICER1 gene. In silico splice site analysis predicts that this alteration will weaken the native splice acceptor site and will result in the creation or strengthening of a novel splice acceptor site; however, direct evidence is insufficient at this time (Ambry internal data). Alterations that disrupt the canonical splice site are expected to cause aberrant splicing, resulting in an abnormal protein or a transcript that is subject to nonsense-mediated mRNA decay. As such, this alteration is classified as likely pathogenic.

Baylor Genetics
Classification: Likely pathogenic for Global developmental delay - lung cysts - overgrowth - Wilms tumor syndrome. Last evaluated: 2022-05-04. Review status: criteria provided, single submitter. Criteria: ACMG Guidelines, 2015. Collection method: clinical testing. Allele origin: unknown.